The following is an entry in ClinVar:

ClinVar aggregate classification (germline): Uncertain significance. Review status: criteria provided, multiple submitters, no conflicts (2 of 4 stars). 2 submissions from 2 submitters: Uncertain significance (2). Last evaluated 2025-10-15.

Conditions:
Primary dilated cardiomyopathy (DCM). Also called: Dilated Cardiomyopathy. Identifiers: Orphanet 217604, MedGen C0007193, MeSH D002311, MONDO:0005021, HP:0001644. Inheritance: Various modes of inheritance.

Submissions (2):

Ambry Genetics
Classification: Uncertain significance. Last evaluated: 2025-10-15. Review status: criteria provided, single submitter. Criteria: Ambry Variant Classification Scheme 2023. Collection method: clinical testing. Allele origin: germline.

Labcorp Genetics (formerly Invitae), Labcorp
Classification: Uncertain significance for Primary dilated cardiomyopathy. Last evaluated: 2025-06-15. Review status: criteria provided, single submitter. Criteria: Invitae Variant Classification Sherloc (09022015). Collection method: clinical testing. Allele origin: germline.
Comment: This sequence change replaces aspartic acid, which is acidic and polar, with asparagine, which is neutral and polar, at codon 415 of the NEBL protein (p.Asp415Asn). This variant is not present in population databases (gnomAD no frequency). This variant has not been reported in the literature in individuals affected with NEBL-related conditions. ClinVar contains an entry for this variant (Variation ID: 1758901). An algorithm developed to predict the effect of missense changes on protein structure and function (PolyPhen-2) suggests that this variant is likely to be disruptive. In summary, the available evidence is currently insufficient to determine the role of this variant in disease. Therefore, it has been classified as a Variant of Uncertain Significance.

NM_006393.3(NEBL):c.1243G>A (p.Asp415Asn)

Gene: NEBL (nebulette; minus strand). Cytogenetic location: 10p12.31.
Variant type: single nucleotide variant.
Coding change: c.1243G>A on transcript NM_006393.3 (MANE Select); coding-DNA position 1243, G replaced by A.
Protein change: p.Asp415Asn; replaces aspartic acid 415 with asparagine.
Molecular consequence: missense variant. On other transcripts: intron variant (9).
Genome position (GRCh38, 1-based): chr10:20,840,834, C>T on the plus strand (G>A on the coding strand, the complement: NEBL is on the minus strand). VCF-style: chr10-20840834-C-T. GRCh37 (hg19) VCF-style: chr10-21129763-C-T.
Other names: c.250-27894G>A (NM_001377326.1, NM_001377327.1, NM_001377328.1); c.358-27894G>A (NM_213569.2, NM_001173484.2, NM_001377322.1); c.301-27894G>A (NM_001377324.1); c.292-27894G>A (NM_001377325.1); c.310-27894G>A (NM_001377323.1); short protein forms D415N.
Identifiers: ClinVar variation 1758901 (VCV001758901.7), dbSNP rs1015396131, ClinGen allele CA204170653.